The following is an entry in ClinVar:

ClinVar aggregate classification (germline): Uncertain significance (1 of 4 stars; one submission).

Conditions:
Hereditary breast ovarian cancer syndrome. Also called: Hereditary breast and ovarian cancer syndrome; Hereditary breast and/or ovarian cancer syndrome; BRCA1- and BRCA2-Associated Hereditary Breast and Ovarian Cancer; Hereditary breast and ovarian cancer syndrome (HBOC); Hereditary breast and ovarian cancer; Breast and ovarian cancer. Identifiers: Orphanet 145, MedGen C0677776, MeSH D061325, MONDO:0003582. Disease mechanism: loss of function.

Submission:

Labcorp Genetics (formerly Invitae), Labcorp
Classification: Uncertain significance for Hereditary breast ovarian cancer syndrome. Last evaluated: 2023-05-20. Review status: criteria provided, single submitter. Criteria: Invitae Variant Classification Sherloc (09022015). Collection method: clinical testing. Allele origin: germline.
Comment: In summary, the available evidence is currently insufficient to determine the role of this variant in disease. Therefore, it has been classified as a Variant of Uncertain Significance. Advanced modeling of protein sequence and biophysical properties (such as structural, functional, and spatial information, amino acid conservation, physicochemical variation, residue mobility, and thermodynamic stability) performed at Invitae indicates that this missense variant is not expected to disrupt BRCA2 protein function. This variant has not been reported in the literature in individuals affected with BRCA2-related conditions. This variant is not present in population databases (gnomAD no frequency). This sequence change replaces threonine, which is neutral and polar, with serine, which is neutral and polar, at codon 2007 of the BRCA2 protein (p.Thr2007Ser).

NM_000059.4(BRCA2):c.6020C>G (p.Thr2007Ser)

Gene: BRCA2 (BRCA2 DNA repair associated; plus strand). Cytogenetic location: 13q13.1.
Variant type: single nucleotide variant.
Coding change: c.6020C>G on transcript NM_000059.4 (MANE Select); coding-DNA position 6020, C replaced by G.
Protein change: p.Thr2007Ser; replaces threonine 2007 with serine.
Molecular consequence: missense variant. On other transcripts: non-coding transcript variant (1), intron variant (2).
Genome position (GRCh38, 1-based): chr13:32,340,375, C>G. VCF-style: chr13-32340375-C-G. GRCh37 (hg19) VCF-style: chr13-32914512-C-G.
Other names: c.6020C>G, p.Thr2007Ser (NM_001406719.1, NM_001406720.1); c.1910-4183C>G (NM_001406721.1); c.425-4183C>G (NM_001406722.1); short protein forms T2007S.
Identifiers: ClinVar variation 2866071 (VCV002866071.3), dbSNP rs397507363, ClinGen allele CA387787747.
Genomic context (GRCh38, chr13:32,340,375, plus strand): 5'-AGGTATCAGATGCTTCATTACAAAACGCAAGACAAGTGTTTTCTGAAATAGAAGATAGTA[C>G]CAAGCAAGTCTTTTCCAAAGTATTGTTTAAAAGTAACGAACATTCAGACCAGCTCACAAG-3'
Protein context (NP_000050.3, residues 1997-2017): RQVFSEIEDS[Thr2007Ser]KQVFSKVLFK